The following is an entry in ClinVar:

ClinVar aggregate classification (germline): Likely pathogenic (1 of 4 stars; one submission).

Submission:

GeneDx
Classification: Likely pathogenic. Last evaluated: 2016-03-24. Review status: criteria provided, single submitter. Criteria: GeneDx Variant Classification (06012015). Collection method: clinical testing. Allele origin: germline. Affected: yes.
Comment: The S526F variant in the MYT1L gene has not been reported previously as a pathogenic variant, nor as a benign variant, to our knowledge. The S526F variant was not observed in approximately 6,200 individuals of European and African American ancestry in the NHLBI Exome Sequencing Project, indicating it is not a common benign variant in these populations. The S526F variant is a non-conservative amino acid substitution, which is likely to impact secondary protein structure as these residues differ in polarity, charge, size and/or other properties. This substitution occurs at a position that is conserved across species. In silico analysis predicts this variant is probably damaging to the protein structure/function. The S526F variant is a strong candidate for a pathogenic variant, however, the possibility it may be a rare benign variant cannot be excluded.

NM_001303052.2(MYT1L):c.1583C>T (p.Ser528Phe)

Gene: MYT1L (myelin transcription factor 1 like; minus strand). Cytogenetic location: 2p25.3.
Variant type: single nucleotide variant.
Coding change: c.1583C>T on transcript NM_001303052.2 (MANE Select); coding-DNA position 1583, C replaced by T.
Protein change: p.Ser528Phe; replaces serine 528 with phenylalanine.
Molecular consequence: missense variant.
Genome position (GRCh38, 1-based): chr2:1,917,240, G>A on the plus strand (C>T on the coding strand, the complement: MYT1L is on the minus strand). VCF-style: chr2-1917240-G-A. GRCh37 (hg19) VCF-style: chr2-1921012-G-A.
Other names: c.1583C>T, p.Ser528Phe (NM_001329844.2, NM_001329845.1, NM_001329851.3); c.1577C>T, p.Ser526Phe (NM_001329846.3, NM_001329847.2, NM_001329848.1 and 3 more transcripts); short protein forms S526F, S528F.
Identifiers: ClinVar variation 420804 (VCV000420804.2), dbSNP rs1064794713, ClinGen allele CA16617405.
Genomic context (GRCh38, chr2:1,917,240, plus strand): 5'-GGGTAGCGGTGAGACGTGGACTTACTTTCTGGAGGGACCCTATCTTTGTGCGGGCATCCG[G>A]ACAGGCTGCGGTGATGTGGGTACAGCCCAGTTACGTGGCCGGTTCCATCACACCCGGGGG-3'
Protein context (NP_001289981.1, residues 518-538): TGLYPHHRSL[Ser528Phe]GCPHKDRVPP